The following is an entry in ClinVar:

ClinVar aggregate classification (germline): Uncertain significance (1 of 4 stars; one submission).

Conditions:
Autism, susceptibility to, X-linked 1 (AUTSX1). Also called: Autism susceptibility, X-linked 1. Identifiers: MedGen C1845540, MONDO:0010321, OMIM 300425.

Submission:

Juno Genomics, Hangzhou Juno Genomics, Inc
Classification: Uncertain significance for Autism, susceptibility to, X-linked 1. Review status: criteria provided, single submitter. Criteria: ACMG Guidelines, 2015. Collection method: clinical testing. Allele origin: germline. Affected: yes.
Comment: Absent from controls (or at extremely low frequency if recessive) in Genome Aggregation Database, Exome Sequencing Project, 1000 Genomes Project, or Exome Aggregation Consortium.;Multiple lines of computational evidence support a deleterious effect on the gene or gene product (conservation, evolutionary, splicing impact, etc).

NM_181303.2(NLGN3):c.614A>G (p.Tyr205Cys)

Gene: NLGN3 (neuroligin 3; plus strand). Cytogenetic location: Xq13.1.
Variant type: single nucleotide variant.
Coding change: c.614A>G on transcript NM_181303.2 (MANE Select); coding-DNA position 614, A replaced by G.
Protein change: p.Tyr205Cys; replaces tyrosine 205 with cysteine.
Molecular consequence: missense variant.
Genome position (GRCh38, 1-based): chrX:71,155,250, A>G. VCF-style: chrX-71155250-A-G. GRCh37 (hg19) VCF-style: chrX-70375100-A-G.
Other names: c.494A>G, p.Tyr165Cys (NM_001166660.2); c.203A>G, p.Tyr68Cys (NM_001321276.2, NM_001438298.1); c.263A>G, p.Tyr88Cys (NM_001437941.1, NM_001438296.1); c.554A>G, p.Tyr185Cys (NM_018977.4); short protein forms Y165C, Y185C, Y205C, Y68C, Y88C.
Identifiers: ClinVar variation 4796548 (VCV004796548.1).